The following is an entry in ClinVar:

ClinVar aggregate classification (germline): Likely pathogenic (1 of 4 stars; one submission).

Submission:

GeneDx
Classification: Likely pathogenic. Last evaluated: 2026-04-22. Review status: criteria provided, single submitter. Criteria: GeneDx Variant Classification Process June 2021. Collection method: clinical testing. Allele origin: germline.
Comment: Not observed at significant frequency in large population cohorts (gnomAD); In silico analysis supports that this missense variant has a deleterious effect on protein structure/function; Has not been previously published as pathogenic or benign to our knowledge

NM_000264.5(PTCH1):c.887G>T (p.Cys296Phe)

Gene: PTCH1 (patched 1; minus strand). Cytogenetic location: 9q22.32.
Variant type: single nucleotide variant.
Coding change: c.887G>T on transcript NM_000264.5 (MANE Select); coding-DNA position 887, G replaced by T.
Protein change: p.Cys296Phe; replaces cysteine 296 with phenylalanine.
Molecular consequence: missense variant. On other transcripts: non-coding transcript variant (1).
Genome position (GRCh38, 1-based): chr9:95,480,448, C>A on the plus strand (G>T on the coding strand, the complement: PTCH1 is on the minus strand). VCF-style: chr9-95480448-C-A. GRCh37 (hg19) VCF-style: chr9-98242730-C-A.
Other names: c.689G>T, p.Cys230Phe (NM_001083602.3); c.884G>T, p.Cys295Phe (NM_001083603.3); c.434G>T, p.Cys145Phe (NM_001083604.3, NM_001083605.3, NM_001083606.3 and 1 more transcripts); c.887G>T, p.Cys296Phe (NM_001354918.2); short protein forms C145F, C230F, C295F, C296F.
Identifiers: ClinVar variation 5037469 (VCV005037469.1).